The following is an entry in ClinVar:

ClinVar aggregate classification (germline): Conflicting classifications of pathogenicity. Review status: criteria provided, conflicting classifications (1 of 4 stars). 2 submissions from 2 submitters: Uncertain significance (1); Likely benign (1). Last evaluated 2025-10-20.

Conditions:
PTPRO-related disorder. Also called: PTPRO-related condition.

gnomAD v4.1: 179 of 1,611,126 alleles (0.011%); highest among the groups gnomAD compares: Admixed American, 0.022%; no homozygotes.

Submissions (2):

PreventionGenetics, part of Exact Sciences
Classification: Uncertain significance for PTPRO-related condition. Last evaluated: 2025-10-20. Review status: criteria provided, single submitter. Criteria: ACMG Guidelines, 2015. Collection method: clinical testing. Allele origin: germline.
Comment: The PTPRO c.2190C>T variant is not predicted to result in an amino acid change (p.=). This variant is predicted to alter splicing based on available splicing prediction programs (SpliceAI, Jaganathan et al. 2019. PubMed ID: 30661751). However, the use of computer prediction programs is not equivalent to functional evidence. To our knowledge, this variant has not been reported in the literature. This variant is reported in 0.032% of alleles in individuals of Latino descent in gnomAD. At this time, the clinical significance of this variant is uncertain due to the absence of conclusive functional and genetic evidence.

Labcorp Genetics (formerly Invitae), Labcorp
Classification: Likely benign. Last evaluated: 2025-07-27. Review status: criteria provided, single submitter. Criteria: Invitae Variant Classification Sherloc (09022015). Collection method: clinical testing. Allele origin: germline.

NM_030667.3(PTPRO):c.2190C>T (p.Phe730=)

Gene: PTPRO (protein tyrosine phosphatase receptor type O; plus strand). Cytogenetic location: 12p12.3.
Variant type: single nucleotide variant.
Coding change: c.2190C>T on transcript NM_030667.3 (MANE Select); coding-DNA position 2190, C replaced by T.
Protein change: p.Phe730=; no amino-acid change (phenylalanine 730 retained).
Molecular consequence: synonymous variant.
Genome position (GRCh38, 1-based): chr12:15,546,594, C>T. VCF-style: chr12-15546594-C-T. GRCh37 (hg19) VCF-style: chr12-15699528-C-T.
Other names: c.2190C>T (NM_030667.2); c.2190C>T, p.Phe730= (NM_002848.4).
Identifiers: ClinVar variation 4752163 (VCV004752163.2).